The following is an entry in ClinVar:

ClinVar aggregate classification (germline): Uncertain significance (1 of 4 stars; one submission).

Conditions:
Hereditary cancer-predisposing syndrome. Also called: Neoplastic Syndromes, Hereditary; Hereditary neoplastic syndrome; Tumor predisposition; Hereditary Cancer Syndrome. Identifiers: Orphanet 140162, MedGen C0027672, MeSH D009386, MONDO:0015356.

Submission:

Color Diagnostics, LLC DBA Color Health
Classification: Uncertain significance for Hereditary cancer-predisposing syndrome. Last evaluated: 2025-07-28. Review status: criteria provided, single submitter. Criteria: ACMG Guidelines, 2015. Collection method: clinical testing. Allele origin: germline.
Comment: This missense variant replaces glutamic acid with valine at codon 418 of the APC protein. Computational prediction suggests that this variant may have deleterious impact on protein structure and function. To our knowledge, functional studies have not been reported for this variant. This variant has not been reported in individuals affected with APC-related disorders in the literature. This variant has not been identified in the general population by the Genome Aggregation Database (gnomAD). The available evidence is insufficient to determine the role of this variant in disease conclusively. Therefore, this variant is classified as a Variant of Uncertain Significance.

NM_000038.6(APC):c.1253A>T (p.Glu418Val)

Gene: APC (APC regulator of Wnt signaling pathway; plus strand). Cytogenetic location: 5q22.2.
Variant type: single nucleotide variant.
Coding change: c.1253A>T on transcript NM_000038.6 (MANE Select); coding-DNA position 1253, A replaced by T.
Protein change: p.Glu418Val; replaces glutamic acid 418 with valine.
Molecular consequence: missense variant. On other transcripts: non-coding transcript variant (2).
Genome position (GRCh38, 1-based): chr5:112,819,285, A>T. VCF-style: chr5-112819285-A-T. GRCh37 (hg19) VCF-style: chr5-112154982-A-T.
Other names: c.1253A>T, p.Glu418Val (NM_001127510.3, NM_001354895.2, NM_001354896.2 and 4 more transcripts); c.1199A>T, p.Glu400Val (NM_001127511.3); c.1283A>T, p.Glu428Val (NM_001354897.2, NM_001407446.1); c.1178A>T, p.Glu393Val (NM_001354898.2, NM_001407451.1); c.1169A>T, p.Glu390Val (NM_001354899.2, NM_001407452.1); c.1076A>T, p.Glu359Val (NM_001354900.2, NM_001354901.2, NM_001407453.1); c.980A>T, p.Glu327Val (NM_001354902.2); c.950A>T, p.Glu317Val (NM_001354903.2, NM_001407454.1, NM_001407455.1 and 5 more transcripts); and 5 more; short protein forms E135V, E258V, E289V, E292V, E317V, E327V, E34V, E359V.
Identifiers: ClinVar variation 4759043 (VCV004759043.1).